The following is an entry in ClinVar:

NM_025243.4(SLC19A3):c.1245G>T (p.Leu415Phe)

Gene: SLC19A3 (solute carrier family 19 member 3; minus strand). Cytogenetic location: 2q36.3.
Variant type: single nucleotide variant.
Coding change: c.1245G>T on transcript NM_025243.4 (MANE Select); coding-DNA position 1245, G replaced by T.
Protein change: p.Leu415Phe; replaces leucine 415 with phenylalanine.
Molecular consequence: missense variant.
Genome position (GRCh38, 1-based): chr2:227,688,235, C>A on the plus strand (G>T on the coding strand, the complement: SLC19A3 is on the minus strand). VCF-style: chr2-227688235-C-A. GRCh37 (hg19) VCF-style: chr2-228552951-C-A.
Other names: c.1245G>T, p.Leu415Phe (NM_001371411.1, NM_001371412.1); c.1233G>T, p.Leu411Phe (NM_001371413.1, NM_001371414.1); short protein forms L411F, L415F.
Identifiers: ClinVar variation 1001934 (VCV001001934.9), dbSNP rs1213616391, ClinGen allele CA350875471.

ClinVar aggregate classification (germline): Uncertain significance (1 of 4 stars; one submission).

Conditions:
Biotin-responsive basal ganglia disease (BTBGD). Also called: Thiamine Transporter-2 Deficiency; THIAMINE METABOLISM DYSFUNCTION SYNDROME 2 (BIOTIN- AND THIAMINE-RESPONSIVE TYPE); Thiamine metabolism dysfunction syndrome type 2; Thiamine metabolism dysfunction syndrome 2 (biotin- or thiamine-responsive encephalopathy type 2); thiamine-responsive encephalopathy. Identifiers: Orphanet 199348, Orphanet 65284, MedGen C1843807, MONDO:0011841, OMIM 607483.

Submission:

Labcorp Genetics (formerly Invitae), Labcorp
Classification: Uncertain significance for Biotin-responsive basal ganglia disease. Last evaluated: 2020-06-22. Review status: criteria provided, single submitter. Criteria: Invitae Variant Classification Sherloc (09022015). Collection method: clinical testing. Allele origin: germline.
Comment: In summary, the available evidence is currently insufficient to determine the role of this variant in disease. Therefore, it has been classified as a Variant of Uncertain Significance. Algorithms developed to predict the effect of missense changes on protein structure and function are either unavailable or do not agree on the potential impact of this missense change (SIFT: "Tolerated"; PolyPhen-2: "Probably Damaging"; Align-GVGD: "Class C0"). This variant has not been reported in the literature in individuals with SLC19A3-related conditions. This variant is not present in population databases (ExAC no frequency). This sequence change replaces leucine with phenylalanine at codon 415 of the SLC19A3 protein (p.Leu415Phe). The leucine residue is highly conserved and there is a small physicochemical difference between leucine and phenylalanine.